The following is an entry in ClinVar:

ClinVar aggregate classification (germline): Pathogenic (1 of 4 stars; one submission).

Conditions:
HNF1B-related disorder. Also called: HNF1B-related condition; HNF1B-related disorders.

Submission:

PreventionGenetics, part of Exact Sciences
Classification: Pathogenic for HNF1B-related condition. Last evaluated: 2024-10-17. Review status: criteria provided, single submitter. Criteria: ACMG Guidelines, 2015. Collection method: clinical testing. Allele origin: germline.
Comment: The HNF1B c.150dupT variant is predicted to result in a frameshift and premature protein termination (p.Gly51Trpfs*37). To our knowledge, this variant has not been reported in the literature or in a large population database (gnomAD), indicating this variant is rare. Frameshift variants in HNF1B are expected to be pathogenic. This variant is interpreted as pathogenic.

NM_000458.4(HNF1B):c.150dup (p.Gly51fs)

Gene: HNF1B (HNF1 homeobox B; minus strand). Cytogenetic location: 17q12.
Variant type: Duplication.
Coding change: c.150dup on transcript NM_000458.4 (MANE Select); coding-DNA position 150, one base duplicated (T; older notation c.150dupT).
Protein change: p.Gly51fs; shifts the reading frame from glycine 51.
Molecular consequence: frameshift variant.
Genome position (GRCh38, 1-based): chr17:37,744,735, A duplicated on the plus strand (T on the coding strand, the reverse complement: HNF1B is on the minus strand). VCF-style (leftmost placement, unchanged base first): chr17-37744734-C-CA. GRCh37 (hg19) VCF-style: chr17-36104725-C-CA.
Other names: c.150dup, p.Gly51fs (NM_001165923.4, NM_001304286.2, NM_001411100.1); short protein forms G51fs.
Identifiers: ClinVar variation 5001162 (VCV005001162.1).